The following is an entry in ClinVar:

ClinVar aggregate classification (germline): Likely pathogenic (1 of 4 stars; one submission).

Conditions:
Mandibulofacial dysostosis-microcephaly syndrome (MFDGA). Also called: Growth and mental retardation, mandibulofacial dysostosis, microcephaly, and cleft palate; Mandibulofacial dysostosis, Guion-Almeida type. Identifiers: Orphanet 79113, MedGen C1864652, MONDO:0012516, OMIM 610536.

Submission:

Laboratorio de Genetica e Diagnostico Molecular, Hospital Israelita Albert Einstein
Classification: Likely pathogenic for Mandibulofacial dysostosis-microcephaly syndrome. Last evaluated: 2026-02-18. Review status: criteria provided, single submitter. Criteria: ACMG Guidelines, 2015. Collection method: clinical testing. Allele origin: germline. Affected: yes.
Comment: ACMG classification criteria: PVS1 very strong, PM2 supporting

NM_004247.4(EFTUD2):c.2527_2534del (p.Val843fs)

Gene: EFTUD2 (elongation factor Tu GTP binding domain containing 2; minus strand). Cytogenetic location: 17q21.31.
Variant type: Deletion.
Coding change: c.2527_2534del on transcript NM_004247.4 (MANE Select); coding-DNA positions 2527 to 2534, 8 bases deleted (GTCTCTGC; older notation c.2527_2534delGTCTCTGC).
Protein change: p.Val843fs; shifts the reading frame from valine 843.
Molecular consequence: frameshift variant.
Genome position (GRCh38, 1-based): chr17:44,853,323-44,853,330, GCAGAGAC deleted on the plus strand (GTCTCTGC on the coding strand, the reverse complement: EFTUD2 is on the minus strand); deleting any 8 consecutive bases within chr17:44,853,323-44,853,333 gives the same sequence; the c. name uses the placement nearest the transcript's 3' end. VCF-style (leftmost placement, unchanged base first): chr17-44853322-TGCAGAGAC-T. GRCh37 (hg19) VCF-style: chr17-42930690-TGCAGAGAC-T.
Other names: c.2422_2429del, p.Val808fs (NM_001142605.2); c.2527_2534del, p.Val843fs (NM_001258353.2); c.2497_2504del, p.Val833fs (NM_001258354.2); short protein forms V808fs, V833fs, V843fs.
Identifiers: ClinVar variation 4846784 (VCV004846784.1).